The following is an entry in ClinVar:

NM_000264.5(PTCH1):c.4195C>T (p.Pro1399Ser)

Gene: PTCH1 (patched 1; minus strand). Cytogenetic location: 9q22.32.
Variant type: single nucleotide variant.
Coding change: c.4195C>T on transcript NM_000264.5 (MANE Select); coding-DNA position 4195, C replaced by T.
Protein change: p.Pro1399Ser; replaces proline 1399 with serine.
Molecular consequence: missense variant. On other transcripts: non-coding transcript variant (1).
Genome position (GRCh38, 1-based): chr9:95,447,061, G>A on the plus strand (C>T on the coding strand, the complement: PTCH1 is on the minus strand). VCF-style: chr9-95447061-G-A. GRCh37 (hg19) VCF-style: chr9-98209343-G-A.
Other names: c.3997C>T, p.Pro1333Ser (NM_001083602.3); c.4192C>T, p.Pro1398Ser (NM_001083603.3); c.3742C>T, p.Pro1248Ser (NM_001083604.3, NM_001083605.3, NM_001083606.3 and 1 more transcripts); c.4039C>T, p.Pro1347Ser (NM_001354918.2); short protein forms P1248S, P1333S, P1347S, P1398S, P1399S.
Identifiers: ClinVar variation 935029 (VCV000935029.14), dbSNP rs1275384199, ClinGen allele CA374110142.

ClinVar aggregate classification (germline): Uncertain significance. Review status: criteria provided, multiple submitters, no conflicts (2 of 4 stars). 3 submissions from 3 submitters: Uncertain significance (3). Last evaluated 2024-11-15.

Conditions:
Hereditary cancer-predisposing syndrome. Also called: Tumor predisposition; Hereditary neoplastic syndrome; Neoplastic Syndromes, Hereditary; Hereditary Cancer Syndrome. Identifiers: Orphanet 140162, MedGen C0027672, MeSH D009386, MONDO:0015356.
Basal cell carcinoma, susceptibility to, 1. Also called: BCC1. Identifiers: MedGen C2751544, MONDO:0011556, OMIM 605462.
Gorlin syndrome. Also called: Nevoid Basal Cell Carcinoma Syndrome; Basal cell nevus syndrome. Identifiers: Orphanet 377, MedGen C0004779, MONDO:0007187.

Allele frequency attached by ClinVar (database versions not stated): gnomAD exomes below 0.00001; gnomAD 0.00001; TOPMed 0.00001.
gnomAD v4.1: 3 of 1,614,012 alleles (0.00019%); highest among the groups gnomAD compares: African/African-American, 0.0027%; no homozygotes.

Submissions (3):

Labcorp Genetics (formerly Invitae), Labcorp
Classification: Uncertain significance for Gorlin syndrome. Last evaluated: 2024-11-15. Review status: criteria provided, single submitter. Criteria: Invitae Variant Classification Sherloc (09022015). Collection method: clinical testing. Allele origin: germline.
Comment: This sequence change replaces proline, which is neutral and non-polar, with serine, which is neutral and polar, at codon 1399 of the PTCH1 protein (p.Pro1399Ser). This variant is not present in population databases (gnomAD no frequency). This variant has not been reported in the literature in individuals affected with PTCH1-related conditions. ClinVar contains an entry for this variant (Variation ID: 935029). Invitae Evidence Modeling of protein sequence and biophysical properties (such as structural, functional, and spatial information, amino acid conservation, physicochemical variation, residue mobility, and thermodynamic stability) indicates that this missense variant is not expected to disrupt PTCH1 protein function with a negative predictive value of 95%. In summary, the available evidence is currently insufficient to determine the role of this variant in disease. Therefore, it has been classified as a Variant of Uncertain Significance.

Ambry Genetics
Classification: Uncertain significance for Hereditary cancer-predisposing syndrome. Last evaluated: 2024-10-11. Review status: criteria provided, single submitter. Criteria: Ambry Variant Classification Scheme 2023. Collection method: clinical testing. Allele origin: germline.
Comment: The p.P1399S variant (also known as c.4195C>T), located in coding exon 23 of the PTCH1 gene, results from a C to T substitution at nucleotide position 4195. The proline at codon 1399 is replaced by serine, an amino acid with similar properties. This amino acid position is conserved. In addition, the in silico prediction for this alteration is inconclusive. Since supporting evidence is limited at this time, the clinical significance of this alteration remains unclear.

Baylor Genetics
Classification: Uncertain significance for Basal cell carcinoma, susceptibility to, 1. Last evaluated: 2023-06-22. Review status: criteria provided, single submitter. Criteria: ACMG Guidelines, 2015. Collection method: clinical testing. Allele origin: unknown.